The following is an entry in ClinVar:

ClinVar aggregate classification (germline): Uncertain significance (1 of 4 stars; one submission).

Submission:

Labcorp Genetics (formerly Invitae), Labcorp
Classification: Uncertain significance. Last evaluated: 2022-12-04. Review status: criteria provided, single submitter. Criteria: Invitae Variant Classification Sherloc (09022015). Collection method: clinical testing. Allele origin: germline.
Comment: This variant is not present in population databases (gnomAD no frequency). In summary, the available evidence is currently insufficient to determine the role of this variant in disease. Therefore, it has been classified as a Variant of Uncertain Significance. Advanced modeling of protein sequence and biophysical properties (such as structural, functional, and spatial information, amino acid conservation, physicochemical variation, residue mobility, and thermodynamic stability) has been performed at Invitae for this missense variant, however the output from this modeling did not meet the statistical confidence thresholds required to predict the impact of this variant on SAMD9 protein function. ClinVar contains an entry for this variant (Variation ID: 1420018). This variant has not been reported in the literature in individuals affected with SAMD9-related conditions. This sequence change replaces isoleucine, which is neutral and non-polar, with valine, which is neutral and non-polar, at codon 284 of the SAMD9 protein (p.Ile284Val).

NM_017654.4(SAMD9):c.850A>G (p.Ile284Val)

Gene: SAMD9 (sterile alpha motif domain containing 9; minus strand). Cytogenetic location: 7q21.2.
Variant type: single nucleotide variant.
Coding change: c.850A>G on transcript NM_017654.4 (MANE Select); coding-DNA position 850, A replaced by G.
Protein change: p.Ile284Val; replaces isoleucine 284 with valine.
Molecular consequence: missense variant.
Genome position (GRCh38, 1-based): chr7:93,105,248, T>C on the plus strand (A>G on the coding strand, the complement: SAMD9 is on the minus strand). VCF-style: chr7-93105248-T-C. GRCh37 (hg19) VCF-style: chr7-92734561-T-C.
Other names: c.850A>G, p.Ile284Val (NM_001193307.2); short protein forms I284V.
Identifiers: ClinVar variation 1420018 (VCV001420018.6), dbSNP rs2116421408, ClinGen allele CA368203629.
Genomic context (GRCh38, chr7:93,105,248, plus strand): 5'-CAAATCTGTCAGATAGAGTACTATTTGGCAGTAAAACTTCCACAAATCTTGGCTCTCGAA[T>C]GCACTTCTTTGCTTGTTGGACTTGATGGTCTTCAAAATACTTGTTTATCATCAGATTGAA-3'
Protein context (NP_060124.2, residues 274-294): DHQVQQAKKC[Ile284Val]REPRFVEVLL